The following is an entry in ClinVar:

NM_020937.4(FANCM):c.2497G>A (p.Asp833Asn)

Gene: FANCM (FA complementation group M; plus strand). Cytogenetic location: 14q21.2.
Variant type: single nucleotide variant.
Coding change: c.2497G>A on transcript NM_020937.4 (MANE Select); coding-DNA position 2497, G replaced by A.
Protein change: p.Asp833Asn; replaces aspartic acid 833 with asparagine.
Molecular consequence: missense variant.
Genome position (GRCh38, 1-based): chr14:45,175,251, G>A. VCF-style: chr14-45175251-G-A. GRCh37 (hg19) VCF-style: chr14-45644454-G-A.
Other names: c.2497G>A (NM_020937.3, LRG_502t1); c.2419G>A, p.Asp807Asn (NM_001308133.2); short protein forms D833N, D807N.
Identifiers: ClinVar variation 408223 (VCV000408223.18), dbSNP rs752560995, ClinGen allele CA7169363.
Genomic context (GRCh38, chr14:45,175,251, plus strand): 5'-AAGAAATCGTCATTTATAAAGAACATAAATCAAGGCAGTTCATCCTCAGTGATAGAATCT[G>A]ATGAAGAATGTGCTGAAATTGTTAAACAAACTCATATCAAACCTACTAAAATTGTTTCTT-3'
Protein context (NP_065988.1, residues 823-843): QGSSSSVIES[Asp833Asn]EECAEIVKQT

ClinVar aggregate classification (germline): Uncertain significance. Review status: criteria provided, multiple submitters, no conflicts (2 of 4 stars). 6 submissions from 6 submitters: Uncertain significance (6). Last evaluated 2025-03-18.

Conditions:
Spermatogenic failure 28. Identifiers: MedGen C4748117, MONDO:0054732, OMIM 618086.
Premature ovarian failure 15. Identifiers: MedGen C4748170, MONDO:0054862, OMIM 618096.
Fanconi anemia (FA). Also called: Fanconi's anemia. Identifiers: Orphanet 84, MedGen C0015625, MeSH D005199, MONDO:0019391.

Allele frequency attached by ClinVar (database versions not stated): ExAC 0.00003; gnomAD 0.00003; gnomAD exomes 0.00003 and 0.00007; TOPMed 0.00003.
gnomAD v4.1: 55 of 1,607,108 alleles (0.0034%); highest among the groups gnomAD compares: Non-Finnish European, 0.00059%; no homozygotes.

Submissions (6):

Quest Diagnostics Nichols Institute San Juan Capistrano
Classification: Uncertain significance. Last evaluated: 2025-03-18. Review status: criteria provided, single submitter. Criteria: Quest Diagnostics criteria. Collection method: clinical testing. Allele origin: unknown.
Comment: The FANCM c.2497G>A (p.Asp833Asn) variant was observed in individuals with breast cancer (PMID: 36707629 (2023), 33471991 (2021), see also LOVD). This variant has also been identified in reportedly healthy individuals (PMID: 33471991 (2021), see also LOVD). The frequency of this variant in the general population (Genome Aggregation Database) is higher than would generally be expected for pathogenic variants in this gene. Analysis of this variant using bioinformatics tools for the prediction of the effect of amino acid changes on protein structure and function yielded conflicting predictions that this variant is benign or damaging. Based on the available information, we are unable to determine the clinical significance of this variant.

Labcorp Genetics (formerly Invitae), Labcorp
Classification: Uncertain significance for Fanconi anemia. Last evaluated: 2024-10-21. Review status: criteria provided, single submitter. Criteria: Invitae Variant Classification Sherloc (09022015). Collection method: clinical testing. Allele origin: germline.
Comment: This sequence change replaces aspartic acid, which is acidic and polar, with asparagine, which is neutral and polar, at codon 833 of the FANCM protein (p.Asp833Asn). This variant is present in population databases (rs752560995, gnomAD 0.2%). This variant has not been reported in the literature in individuals affected with FANCM-related conditions. ClinVar contains an entry for this variant (Variation ID: 408223). An algorithm developed to predict the effect of missense changes on protein structure and function (PolyPhen-2) suggests that this variant¬†is likely to be tolerated. In summary, the available evidence is currently insufficient to determine the role of this variant in disease. Therefore, it has been classified as a Variant of Uncertain Significance.

Blueprint Genetics
Classification: Uncertain significance. Last evaluated: 2024-02-05. Review status: criteria provided, single submitter. Criteria: ACMG Guidelines, 2015. Collection method: clinical testing. Allele origin: germline.

GeneDx
Classification: Uncertain significance. Last evaluated: 2023-09-06. Review status: criteria provided, single submitter. Criteria: GeneDx Variant Classification Process June 2021. Collection method: clinical testing. Allele origin: germline. Affected: yes.
Comment: In silico analysis supports that this missense variant has a deleterious effect on protein structure/function; Observed in individuals with ovarian cancer (Dicks et al., 2017); This variant is associated with the following publications: (PMID: 28881617)

Fulgent Genetics
Classification: Uncertain significance for Spermatogenic failure 28; Premature ovarian failure 15. Last evaluated: 2018-10-31. Review status: criteria provided, single submitter. Criteria: ACMG Guidelines, 2015. Collection method: clinical testing. Allele origin: unknown.

Breakthrough Genomics
Classification: Uncertain significance. Review status: criteria provided, single submitter. Criteria: ACMG Guidelines, 2015. Collection method: not provided. Allele origin: germline. Inheritance: Autosomal recessive inheritance. Affected: yes.

Literature cited by the submitters: PubMed 36707629 (cited by Quest Diagnostics Nichols Institute San Juan Capistrano); PubMed 33471991 (cited by Quest Diagnostics Nichols Institute San Juan Capistrano).